The following is an entry in ClinVar:

NM_000088.4(COL1A1):c.3960C>G (p.Asp1320Glu)

Gene: COL1A1 (collagen type I alpha 1 chain; minus strand). Cytogenetic location: 17q21.33.
Variant type: single nucleotide variant.
Coding change: c.3960C>G on transcript NM_000088.4 (MANE Select); coding-DNA position 3960, C replaced by G.
Protein change: p.Asp1320Glu; replaces aspartic acid 1320 with glutamic acid.
Molecular consequence: missense variant.
Genome position (GRCh38, 1-based): chr17:50,186,362, G>C on the plus strand (C>G on the coding strand, the complement: COL1A1 is on the minus strand). VCF-style: chr17-50186362-G-C. GRCh37 (hg19) VCF-style: chr17-48263723-G-C.
Other names: short protein forms D1320E.
Identifiers: ClinVar variation 3765967 (VCV003765967.1).

ClinVar aggregate classification (germline): Uncertain significance (1 of 4 stars; one submission).

Submission:

GeneDx
Classification: Uncertain significance. Last evaluated: 2024-09-03. Review status: criteria provided, single submitter. Criteria: GeneDx Variant Classification Process June 2021. Collection method: clinical testing. Allele origin: germline. Affected: yes.
Comment: Has not been previously published as pathogenic or benign to our knowledge; Not observed at significant frequency in large population cohorts (gnomAD); In silico analysis indicates that this missense variant does not alter protein structure/function; Not located in the triple helical region, where the majority of pathogenic missense variants occur (HGMD)